The following is an entry in ClinVar:

NM_080680.3(COL11A2):c.3474+3G>A

Gene: COL11A2 (collagen type XI alpha 2 chain; minus strand). Cytogenetic location: 6p21.32.
Variant type: single nucleotide variant.
Coding change: c.3474+3G>A on transcript NM_080680.3 (MANE Select); 3 bases into the intron after coding-DNA position 3474, G replaced by A.
Molecular consequence: intron variant.
Genome position (GRCh38, 1-based): chr6:33,170,807, C>T on the plus strand (G>A on the coding strand, the complement: COL11A2 is on the minus strand). VCF-style: chr6-33170807-C-T. GRCh37 (hg19) VCF-style: chr6-33138584-C-T.
Other names: c.3153+3G>A (NM_080679.3); c.3216+3G>A (NM_080681.3).
Identifiers: ClinVar variation 2198608 (VCV002198608.5), dbSNP rs1445655643, ClinGen allele CA566427685.

ClinVar aggregate classification (germline): Uncertain significance. Review status: criteria provided, multiple submitters, no conflicts (2 of 4 stars). 2 submissions from 2 submitters: Uncertain significance (2). Last evaluated 2025-10-01.

Allele frequency attached by ClinVar (database versions not stated): gnomAD exomes below 0.00001; TOPMed below 0.00001.
gnomAD v4.1: 4 of 1,612,206 alleles (0.00025%); highest among the groups gnomAD compares: Admixed American, 0.005%; no homozygotes.

Submissions (2):

Labcorp Genetics (formerly Invitae), Labcorp
Classification: Uncertain significance. Last evaluated: 2025-10-01. Review status: criteria provided, single submitter. Criteria: Invitae Variant Classification Sherloc (09022015). Collection method: clinical testing. Allele origin: germline.
Comment: This sequence change falls in intron 46 of the COL11A2 gene. It does not directly change the encoded amino acid sequence of the COL11A2 protein. It affects a nucleotide within the consensus splice site. This variant is present in population databases (no rsID available, gnomAD 0.003%). This variant has not been reported in the literature in individuals affected with COL11A2-related conditions. ClinVar contains an entry for this variant (Variation ID: 2198608). Variants that disrupt the consensus splice site are a relatively common cause of aberrant splicing (PMID: 17576681, 9536098). Algorithms developed to predict the effect of sequence changes on RNA splicing suggest that this variant is not likely to affect RNA splicing. In summary, the available evidence is currently insufficient to determine the role of this variant in disease. Therefore, it has been classified as a Variant of Uncertain Significance.

GeneDx
Classification: Uncertain significance. Last evaluated: 2024-07-10. Review status: criteria provided, single submitter. Criteria: GeneDx Variant Classification Process June 2021. Collection method: clinical testing. Allele origin: germline. Affected: yes.
Comment: Not observed at significant frequency in large population cohorts (gnomAD); In silico analysis indicates that this variant does not alter splicing; Has not been previously published as pathogenic or benign to our knowledge

Literature cited by the submitters: PubMed 17576681 (cited by Labcorp Genetics (formerly Invitae), Labcorp); PubMed 9536098 (cited by Labcorp Genetics (formerly Invitae), Labcorp).